The following is an entry in ClinVar:

ClinVar aggregate classification (germline): Uncertain significance (1 of 4 stars; one submission).

Submission:

Labcorp Genetics (formerly Invitae), Labcorp
Classification: Uncertain significance. Last evaluated: 2023-09-05. Review status: criteria provided, single submitter. Criteria: Invitae Variant Classification Sherloc (09022015). Collection method: clinical testing. Allele origin: germline.
Comment: In summary, the available evidence is currently insufficient to determine the role of this variant in disease. Therefore, it has been classified as a Variant of Uncertain Significance. Advanced modeling of protein sequence and biophysical properties (such as structural, functional, and spatial information, amino acid conservation, physicochemical variation, residue mobility, and thermodynamic stability) performed at Invitae indicates that this missense variant is expected to disrupt BMP1 protein function. ClinVar contains an entry for this variant (Variation ID: 2090792). This variant has not been reported in the literature in individuals affected with BMP1-related conditions. This variant is not present in population databases (gnomAD no frequency). This sequence change replaces tyrosine, which is neutral and polar, with cysteine, which is neutral and slightly polar, at codon 188 of the BMP1 protein (p.Tyr188Cys).

NM_006129.5(BMP1):c.563A>G (p.Tyr188Cys)

Gene: BMP1 (bone morphogenetic protein 1; plus strand). Cytogenetic location: 8p21.3.
Variant type: single nucleotide variant.
Coding change: c.563A>G on transcript NM_006129.5 (MANE Select); coding-DNA position 563, A replaced by G.
Protein change: p.Tyr188Cys; replaces tyrosine 188 with cysteine.
Molecular consequence: missense variant. On other transcripts: non-coding transcript variant (2).
Genome position (GRCh38, 1-based): chr8:22,176,972, A>G. VCF-style: chr8-22176972-A-G. GRCh37 (hg19) VCF-style: chr8-22034485-A-G.
Other names: c.563A>G, p.Tyr188Cys (NM_001199.4); short protein forms Y188C.
Identifiers: ClinVar variation 2090792 (VCV002090792.4), dbSNP rs2538978157, ClinGen allele CA370541836.